The following is an entry in ClinVar:

ClinVar aggregate classification (germline): Pathogenic (1 of 4 stars; one submission).

Conditions:
Deficiency of UDPglucose-hexose-1-phosphate uridylyltransferase. Also called: GALT deficiency; Galactosemia, classic; Transferase Deficiency Galactosemia; GALACTOSEMIA I; GALACTOSE-1-PHOSPHATE URIDYLYLTRANSFERASE DEFICIENCY. Identifiers: Orphanet 352, Orphanet 79239, MedGen C0268151, MONDO:0009258, OMIM 230400.

Submission:

Labcorp Genetics (formerly Invitae), Labcorp
Classification: Pathogenic for Deficiency of UDPglucose-hexose-1-phosphate uridylyltransferase. Last evaluated: 2023-06-14. Review status: criteria provided, single submitter. Criteria: Invitae Variant Classification Sherloc (09022015). Collection method: clinical testing. Allele origin: germline.
Comment: For these reasons, this variant has been classified as Pathogenic. Algorithms developed to predict the effect of sequence changes on RNA splicing suggest that this variant may disrupt the consensus splice site. Disruption of this splice site has been observed in individual(s) with classical galactosemia (PMID: 21150919). This variant is not present in population databases (gnomAD no frequency). This sequence change affects a donor splice site in intron 2 of the GALT gene. It is expected to disrupt RNA splicing. Variants that disrupt the donor or acceptor splice site typically lead to a loss of protein function (PMID: 16199547), and loss-of-function variants in GALT are known to be pathogenic (PMID: 22944367).

Literature cited by the submitters: PubMed 21150919; PubMed 16199547; PubMed 22944367.

NM_000155.4(GALT):c.252+2T>G

Genes: GALT (galactose-1-phosphate uridylyltransferase; plus strand), LOC130001683 (ATAC-STARR-seq lymphoblastoid active region 28314; plus strand). Cytogenetic location: 9p13.3.
Variant type: single nucleotide variant.
Coding change: c.252+2T>G on transcript NM_000155.4 (MANE Select); the canonical splice donor site of the intron after coding-DNA position 252, T replaced by G.
Molecular consequence: splice donor variant.
Genome position (GRCh38, 1-based): chr9:34,647,260, T>G. VCF-style: chr9-34647260-T-G. GRCh37 (hg19) VCF-style: chr9-34647257-T-G.
Other names: c.50+2T>G (NM_001258332.2).
Identifiers: ClinVar variation 2715081 (VCV002715081.3), dbSNP rs2492862629, ClinGen allele CA373278987.